The following is an entry in ClinVar:

NM_170784.3(MKKS):c.281T>G (p.Phe94Cys)

Gene: MKKS (MKKS centrosomal shuttling protein; minus strand). Cytogenetic location: 20p12.2.
Variant type: single nucleotide variant.
Coding change: c.281T>G on transcript NM_170784.3 (MANE Select); coding-DNA position 281, T replaced by G.
Protein change: p.Phe94Cys; replaces phenylalanine 94 with cysteine.
Molecular consequence: missense variant.
Genome position (GRCh38, 1-based): chr20:10,413,234, A>C on the plus strand (T>G on the coding strand, the complement: MKKS is on the minus strand). VCF-style: chr20-10413234-A-C. GRCh37 (hg19) VCF-style: chr20-10393882-A-C.
Other names: c.281T>G, p.Phe94Cys (NM_018848.3); short protein forms F94C.
Identifiers: ClinVar variation 1412591 (VCV001412591.9), dbSNP rs141181516, ClinGen allele CA9763712.
Genomic context (GRCh38, chr20:10,413,234, plus strand): 5'-GTGGGTGTCAAGCCTAATCTCTGAACATTTTCAATCAGGTTGCAGCAAAGAATAGCTGTG[A>C]ATAAGCCACAATCACTGAAGCTTGACACATGATTCTGTATGGAGGCTGTCAGGATCTTTA-3'
Protein context (NP_740754.1, residues 84-104): HVSSFSDCGL[Phe94Cys]TAILCCNLIE

ClinVar aggregate classification (germline): Uncertain significance. Review status: criteria provided, multiple submitters, no conflicts (2 of 4 stars). 4 submissions from 4 submitters: Uncertain significance (4). Last evaluated 2025-10-23.

Conditions:
MKKS-related disorder. Also called: MKKS-related disorders; MKKS-related condition.
Bardet-Biedl syndrome 6 (BBS6). Identifiers: Orphanet 110, MedGen C1858054, MONDO:0011523, OMIM 605231.
McKusick-Kaufman syndrome (MKKS). Also called: HYDROMETROCOLPOS SYNDROME; HYDROMETROCOLPOS, POSTAXIAL POLYDACTYLY, AND CONGENITAL HEART MALFORMATION. Identifiers: Orphanet 2473, MedGen C0948368, MONDO:0009367, OMIM 236700.
Bardet-Biedl syndrome (BBS). Identifiers: Orphanet 110, MedGen C0752166, MONDO:0015229.

Allele frequency attached by ClinVar (database versions not stated): gnomAD exomes 0.00001 and 0.00002; ExAC 0.00002; TOPMed 0.00005; gnomAD 0.00006; ESP Exome Variant Server 0.00008.
gnomAD v4.1: 13 of 1,614,078 alleles (0.00081%); highest among the groups gnomAD compares: African/African-American, 0.017%; no homozygotes.

Submissions (4):

PreventionGenetics, part of Exact Sciences
Classification: Uncertain significance for MKKS-related condition. Last evaluated: 2025-10-23. Review status: criteria provided, single submitter. Criteria: ACMG Guidelines, 2015. Collection method: clinical testing. Allele origin: germline.
Comment: The MKKS c.281T>G variant is predicted to result in the amino acid substitution p.Phe94Cys. To our knowledge, this variant has not been reported in the literature. This variant is reported in 0.024% of alleles in individuals of African descent in gnomAD. At this time, the clinical significance of this variant is uncertain due to the absence of conclusive functional and genetic evidence.

Labcorp Genetics (formerly Invitae), Labcorp
Classification: Uncertain significance for McKusick-Kaufman syndrome; Bardet-Biedl syndrome. Last evaluated: 2024-10-26. Review status: criteria provided, single submitter. Criteria: Invitae Variant Classification Sherloc (09022015). Collection method: clinical testing. Allele origin: germline.
Comment: This sequence change replaces phenylalanine, which is neutral and non-polar, with cysteine, which is neutral and slightly polar, at codon 94 of the MKKS protein (p.Phe94Cys). This variant is present in population databases (rs141181516, gnomAD 0.02%). This variant has not been reported in the literature in individuals affected with MKKS-related conditions. ClinVar contains an entry for this variant (Variation ID: 1412591). Invitae Evidence Modeling of protein sequence and biophysical properties (such as structural, functional, and spatial information, amino acid conservation, physicochemical variation, residue mobility, and thermodynamic stability) indicates that this missense variant is expected to disrupt MKKS protein function with a positive predictive value of 95%. In summary, the available evidence is currently insufficient to determine the role of this variant in disease. Therefore, it has been classified as a Variant of Uncertain Significance.

Fulgent Genetics
Classification: Uncertain significance for McKusick-Kaufman syndrome; Bardet-Biedl syndrome 6. Last evaluated: 2024-03-25. Review status: criteria provided, single submitter. Criteria: ACMG Guidelines, 2015. Collection method: clinical testing. Allele origin: germline.

Blueprint Genetics
Classification: Uncertain significance. Last evaluated: 2022-03-11. Review status: criteria provided, single submitter. Criteria: ACMG Guidelines, 2015. Collection method: clinical testing. Allele origin: germline.